The following is an entry in ClinVar:

NM_153603.4(COG7):c.1887+1G>A

Gene: COG7 (component of oligomeric golgi complex 7; minus strand). Cytogenetic location: 16p12.2.
Variant type: single nucleotide variant.
Coding change: c.1887+1G>A on transcript NM_153603.4 (MANE Select); the canonical splice donor site of the intron after coding-DNA position 1887, G replaced by A.
Molecular consequence: splice donor variant.
Genome position (GRCh38, 1-based): chr16:23,398,045, C>T on the plus strand (G>A on the coding strand, the complement: COG7 is on the minus strand). VCF-style: chr16-23398045-C-T. GRCh37 (hg19) VCF-style: chr16-23409366-C-T.
Identifiers: ClinVar variation 3615150 (VCV003615150.2).

ClinVar aggregate classification (germline): Likely pathogenic (1 of 4 stars; one submission).

Conditions:
COG7 congenital disorder of glycosylation (CDG2E). Also called: CONGENITAL DISORDER OF GLYCOSYLATION, TYPE IIe; CDG IIe. Identifiers: Orphanet 79333, MedGen C2931010, MONDO:0012118, OMIM 608779.

gnomAD v4.1: 8 of 1,613,536 alleles (0.0005%); highest among the groups gnomAD compares: East Asian, 0.0022%; no homozygotes.

Submission:

Labcorp Genetics (formerly Invitae), Labcorp
Classification: Likely pathogenic for COG7 congenital disorder of glycosylation. Last evaluated: 2024-10-10. Review status: criteria provided, single submitter. Criteria: Invitae Variant Classification Sherloc (09022015). Collection method: clinical testing. Allele origin: germline.
Comment: This sequence change affects a donor splice site in intron 14 of the COG7 gene. It is expected to disrupt RNA splicing. Variants that disrupt the donor or acceptor splice site typically lead to a loss of protein function (PMID: 16199547), and loss-of-function variants in COG7 are known to be pathogenic (PMID: 21811164). This variant is present in population databases (rs766665817, gnomAD 0.01%). This variant has not been reported in the literature in individuals affected with COG7-related conditions. Algorithms developed to predict the effect of sequence changes on RNA splicing suggest that this variant may disrupt the consensus splice site. In summary, the currently available evidence indicates that the variant is pathogenic, but additional data are needed to prove that conclusively. Therefore, this variant has been classified as Likely Pathogenic.

Literature cited by the submitters: PubMed 16199547; PubMed 21811164.